The following continues an entry in ClinVar:

NM_000518.5(HBB):c.20A>T (p.Glu7Val)

ClinVar aggregate classification (germline): Pathogenic. Pathogenic (57).

Submissions 24 to 41 of 72:

Illumina Laboratory Services, Illumina
Classification: Pathogenic for Hb SS disease. Last evaluated: 2023-05-06. Review status: criteria provided, single submitter. Criteria: ICSLVariantClassificationCriteria RUGD 01 April 2020. Collection method: clinical testing. Allele origin: unknown.
Comment: The HBB c.20A>T (p.Glu7Val) missense variant, also referred to as p.Glu6Val, has been reported in a homozygous state in more than 1000 individuals with sickle cell anemia (PMID: 25023084; 25023085; 26275168). The highest frequency of this allele in the Genome Aggregation Database is 0.04490 in the African/African-American population (version 2.1.1). This frequency is high, however, carriers are hypothesized to confer protection against Plasmodium falciparum malaria infection (PMID: 21045822). In mice expressing the sickle trait variant, erythrocytes were shown to sickle with deoxygenation, similar to that seen in humans with sickle cell anemia (PMID: 2296310), and in mice with 100% expression of the sickle cell variant, chronic hemolytic anemia with circulating sickled erythrocytes, as well as chronic tissue damage, was observed (PMID: 12124399). Based on the available evidence, the c.20A>T (p.Glu7Val) variant is classified as pathogenic for sickle cell disease.

Mayo Clinic Laboratories, Mayo Clinic
Classification: Pathogenic. Last evaluated: 2023-02-24. Review status: criteria provided, single submitter. Criteria: ACMG Guidelines, 2015. Collection method: clinical testing. Allele origin: germline. Observed: 203 variant alleles.

Johns Hopkins Genomics, Johns Hopkins University
Classification: Pathogenic for Sickle cell-hemoglobin C disease. Last evaluated: 2023-02-17. Review status: criteria provided, single submitter. Criteria: ACMG Guidelines, 2015. Collection method: clinical testing. Allele origin: germline.
Comment: This HBB variant (rs334) reaches polymorphic frequency (>1%) within the African/African American subpopulation in a large population dataset (gnomAD: 1121/24964 total alleles; 4.49%; 4 homozygotes) and has been reported in ClinVar. It is the most common pathogenic HBB variant in individuals of African ancestry. Also known as p.Glu6Val and HbS, it has been reported in a homozygous or compound heterozygous state in individuals with beta-hemoglobinopathies. One bioinformatic tool queried predicts that this substitution would damaging, while another predicts it would be tolerated. Experimental studies have shown that this variant affects the physical and kinetic properties of the hemoglobin protein. Bioinformatic analysis predicts that this missense variant would not affect normal exon 1 splicing, although this has not been confirmed experimentally to our knowledge. We consider c.20A>T (p.Glu7Val) to be pathogenic.

H3Africa Consortium
Classification: Pathogenic for Hb SS disease. Last evaluated: 2022-10-12. Review status: criteria provided, single submitter. Criteria: Choudhury A et al. (Nature 2020). Collection method: research. Allele origin: germline. Inheritance: Autosomal recessive inheritance. Study: H3Africa.
Comment: While the frequency of the alternate allele in gnoMAD v2.0.2 is 0.53, its frequency in African populations is >5%, as there is a high prevalence of sickle cell disease in African ancestry individuals.

Greenwood Genetic Center Diagnostic Laboratories, Greenwood Genetic Center
Classification: Pathogenic for Hb SS disease. Last evaluated: 2022-08-10. Review status: criteria provided, single submitter. Criteria: ACMG Guidelines, 2015. Collection method: clinical testing. Allele origin: germline. Affected: yes.
Comment: PS3, PS4, PM3, PP1

MGZ Medical Genetics Center
Classification: Pathogenic for Beta-thalassemia HBB/LCRB. Last evaluated: 2022-07-22. Review status: criteria provided, single submitter. Criteria: ACMG Guidelines, 2015. Collection method: clinical testing. Allele origin: germline. Affected: yes. Observed: 5 variant alleles.
Comment: ACMG criteria applied: PM3_VSTR, PP1_VSTR, PS4, PM1, PM5, PP4

Dasa
Classification: Pathogenic for HBB-related disorder. Last evaluated: 2022-03-05. Review status: criteria provided, single submitter. Criteria: ACMG Guidelines, 2015. Collection method: clinical testing. Allele origin: germline. Affected: yes. Observed: 2 variant alleles.
Comment: Well-established in vitro or in vivo functional studies supportive of a damaging effect on the gene or gene product (PMID: 13464827; 11880644; 11830454; 12124399; 28356267; 1802884) - PS3.The c.20A>T;p.(Glu7Val) missense variant has been observed in affected individual(s) and ClinVar contains an entry for this variant (ClinVar ID: 15333; PMID: 20301551; PMID: 30002798; PMID: 15658184;PMID: 7384810; PMID: 6268660; PMID: 26372199; PMID: 26275168; PMID: 28356267; PMID: 22625666; PMID: 32527859) - PS4. The p.(Glu7Val) was detected in trans with a pathogenic variant (PMID: 15658184; PMID: 20861612; PMID: 21131035) - PM3_very strong. Pathogenic missense variant in this residue have been reported (ClinVar ID: 15126 PMID: 20301551; 27117572; 26372199) - PM5. The variant co-segregated with disease in multiple affected family members (PMID: 21302591; 34334128; 14084634; 26041415) - PP1_strong.and allele frequency is greater than expected for disorder - BS1. In summary, the currently available evidence indicates that the variant is pathogenic.

Baylor Genetics
Classification: Pathogenic for Hb SS disease. Last evaluated: 2022-01-11. Review status: criteria provided, single submitter. Criteria: ACMG Guidelines, 2015. Collection method: clinical testing. Allele origin: unknown. Affected: yes. Study: CSER-TexasKidsCanSeq.
Comment: This variant was determined to be pathogenic according to ACMG Guidelines, 2015 [PMID:25741868].

Laboratorio de Genetica e Diagnostico Molecular, Hospital Israelita Albert Einstein
Classification: Pathogenic. Last evaluated: 2022-01-06. Review status: criteria provided, single submitter. Criteria: ACMG Guidelines, 2015. Collection method: clinical testing. Allele origin: germline. Affected: yes.
Comment: ACMG classification criteria: PS3, PS4, PM3, BS1

Genomics Facility, Ludwig-Maximilians-Universität München
Classification: Pathogenic for Hb SS disease. Last evaluated: 2021-12-28. Review status: criteria provided, single submitter. Criteria: ACMG Guidelines, 2015. Collection method: clinical testing. Allele origin: biparental. Inheritance: Autosomal recessive inheritance. Affected: yes.

AiLife Diagnostics
Classification: Pathogenic. Last evaluated: 2021-11-22. Review status: criteria provided, single submitter. Criteria: ACMG Guidelines, 2015. Collection method: clinical testing. Allele origin: germline. Affected: yes. Observed: 3 variant alleles.

CENTOGENE GmbH and LLC - Guiding Precision Medicine
Classification: Pathogenic for Hb SS disease. Last evaluated: 2021-09-22. Review status: criteria provided, single submitter. Criteria: ACMG Guidelines, 2015. Collection method: clinical testing. Allele origin: germline. Affected: yes.

Fulgent Genetics
Classification: Pathogenic for Heinz body anemia; Hereditary persistence of fetal hemoglobin; Dominant beta-thalassemia; Hb SS disease; alpha Thalassemia; Malaria, susceptibility to; Beta-thalassemia HBB/LCRB; METHEMOGLOBINEMIA, BETA TYPE; Erythrocytosis, familial, 6. Last evaluated: 2021-06-30. Review status: criteria provided, single submitter. Criteria: ACMG Guidelines, 2015. Collection method: clinical testing. Allele origin: unknown.
Comment: This variant has been detected in individual(s) who were sent for testing of Renasight - kidney gene panel.

GeneDx
Classification: Pathogenic. Last evaluated: 2021-05-25. Review status: criteria provided, single submitter. Criteria: GeneDx Variant Classification Process June 2021. Collection method: clinical testing. Allele origin: germline. Affected: yes.
Comment: Functional studies using transgenic mouse models showed mouse erythrocytes with this variant sickled upon deoxygenation (Greaves et al., 1990) and kinetic studies indicate this variant drastically decreases the molecular stability of the protein (Adachi et al., 1987); Commonly referred to as p.(E6V) due to the use of alternate nomenclature; This variant is associated with the following publications: (PMID: 20825310, 1802884, 30315176, 3267215, 24123366, 20954261, 22975760, 23065522, 22625666, 19465909, 20305663, 20981092, 22010933, 22028795, 22957039, 23144702, 2296310, 27884173, 27254408, 17393956, 28356267, 26372199, 19758965, 12124399, 22244832, 20861612, 30655275, 30290004, 21329186, 15543018, 30033078, 31553106, 31130284, 31980526, 27650483, 32817264, 32371413, 25023084, 2888754, 31589614, 25087612)

Baylor Genetics
Classification: Pathogenic for Hb SS disease. Last evaluated: 2021-04-29. Review status: criteria provided, single submitter. Criteria: ACMG Guidelines, 2015. Collection method: clinical testing. Allele origin: unknown.

Dubai Health Genomic Medicine Center, Dubai Health
Classification: Pathogenic for Hb SS disease. Last evaluated: 2021-03-10. Review status: criteria provided, single submitter. Criteria: ACMG Guidelines, 2015. Collection method: clinical testing. Allele origin: germline. Affected: yes.
Comment: The p.Glu7Val variant (also known as Glu6Val and hemoglobin S variant) in HBB has been identified in 1121/24964 (4.5% 4 homozygotes) of African chromosomes by the Genome Aggregation Database. In the homozygous state the p.Glu7Val variant in HBB causes sickle cell anemia. Co-inheritance with a second HBB variant associated with abnormal hemoglobin (such as Hb C Hb D Hb O Hb E and β-thalassemia pathogenic variants) results in sickle cell disease (PMID: 20301551). In summary this variant meets our criteria to be classified as pathogenic for sickle cell disease.

New York Genome Center
Classification: Pathogenic for Hb SS disease. Last evaluated: 2021-02-10. Review status: criteria provided, single submitter. Criteria: NYGC Assertion Criteria 2020. Collection method: clinical testing. Allele origin: germline. Affected: yes. Observed: 1 heterozygote, 1 compound heterozygote. Study: CSER-NYCKidSeq.
Comment: The c.20A>T (p.Glu7Val) variant in HBB (also known as p.Glu6Val) is the most prevalent genotype associated with sickle cell disease [PMID: 25203083]. This variant is an established disease-associated mutation and has been reported as pathogenic by multiple clinical diagnostic laboratories in ClinVar (variant ID: 15333). This variant is identified in gnomAD in 1826 heterozygous individuals, 9 homozygous individuals, with an allele frequency of 1.27e-2. Based on the available evidence, the c.20A>T (p.Glu7Val) variant is classified as pathogenic.

Genetics and Molecular Pathology, SA Pathology
Classification: Pathogenic for Hb SS disease. Last evaluated: 2020-02-06. Review status: criteria provided, single submitter. Criteria: ACMG Guidelines, 2015. Collection method: clinical testing. Allele origin: germline. Inheritance: Autosomal recessive inheritance. Affected: yes.
Comment: PS4, PS3, PP1, PP5, PP4.